The following is an entry in ClinVar:

ClinVar aggregate classification (germline): Benign/Likely benign. Review status: criteria provided, multiple submitters, no conflicts (2 of 4 stars). 5 submissions from 5 submitters: Benign (2); Likely benign (3). Last evaluated 2025-09-24.

Conditions:
Hereditary cancer-predisposing syndrome. Also called: Neoplastic Syndromes, Hereditary; Hereditary Cancer Syndrome; Hereditary neoplastic syndrome; Tumor predisposition. Identifiers: Orphanet 140162, MedGen C0027672, MeSH D009386, MONDO:0015356.
Tuberous sclerosis 2 (TSC2). Identifiers: Orphanet 805, MedGen C1860707, MONDO:0013199, OMIM 613254.
Isolated focal cortical dysplasia type II (FCORD2). Also called: CORTICAL DYSPLASIA OF TAYLOR; Focal cortical dysplasia type II. Identifiers: Orphanet 268994, MedGen C1846385, MONDO:0011818, OMIM 607341, HP:0032051.
Lymphangiomyomatosis (LAM). Also called: Lymphangioleiomyomatosis, somatic; Lymphangioleiomyomatosis. Identifiers: Orphanet 538, MedGen C0751674, MONDO:0011705, OMIM 606690.

Allele frequency attached by ClinVar (database versions not stated): gnomAD exomes below 0.00001 and 0.00001; TOPMed below 0.00001; ExAC 0.00001.
gnomAD v4.1: 6 of 1,612,468 alleles (0.00037%); highest among the groups gnomAD compares: South Asian, 0.0055%; no homozygotes.

Submissions (5):

Labcorp Genetics (formerly Invitae), Labcorp
Classification: Benign for Tuberous sclerosis 2. Last evaluated: 2025-09-24. Review status: criteria provided, single submitter. Criteria: Invitae Variant Classification Sherloc (09022015). Collection method: clinical testing. Allele origin: germline.

Myriad Genetics, Inc.
Classification: Benign for Tuberous sclerosis 2. Last evaluated: 2025-05-09. Review status: criteria provided, single submitter. Criteria: Myriad Autosomal Dominant, Autosomal Recessive and X-Linked Classification Criteria (2023). Collection method: clinical testing. Allele origin: unknown.
Comment: This variant is considered benign. This variant is a silent/synonymous amino acid change and it is not expected to impact splicing.

Sema4
Classification: Likely benign for Hereditary cancer-predisposing syndrome. Last evaluated: 2021-10-21. Review status: criteria provided, single submitter. Criteria: Sema4 Curation Guidelines. Collection method: curation. Allele origin: germline.

Fulgent Genetics
Classification: Likely benign for Lymphangiomyomatosis; Isolated focal cortical dysplasia type II; Tuberous sclerosis 2. Last evaluated: 2021-09-27. Review status: criteria provided, single submitter. Criteria: ACMG Guidelines, 2015. Collection method: clinical testing. Allele origin: unknown.

Ambry Genetics
Classification: Likely benign for Hereditary cancer-predisposing syndrome. Last evaluated: 2019-08-06. Review status: criteria provided, single submitter. Criteria: Ambry Variant Classification Scheme 2023. Collection method: clinical testing. Allele origin: germline.

NM_000548.5(TSC2):c.693G>A (p.Leu231=)

Gene: TSC2 (TSC complex subunit 2; plus strand). Cytogenetic location: 16p13.3.
Variant type: single nucleotide variant.
Coding change: c.693G>A on transcript NM_000548.5 (MANE Select); coding-DNA position 693, G replaced by A.
Protein change: p.Leu231=; no amino-acid change (leucine 231 retained).
Molecular consequence: synonymous variant.
Genome position (GRCh38, 1-based): chr16:2,056,688, G>A. VCF-style: chr16-2056688-G-A. GRCh37 (hg19) VCF-style: chr16-2106689-G-A.
Other names: c.693G>A, p.Leu231= (NM_001077183.3, NM_001114382.3, NM_001363528.2 and 3 more transcripts); c.582G>A, p.Leu194= (NM_001318827.2); c.546G>A, p.Leu182= (NM_001318829.2); c.93G>A, p.Leu31= (NM_001318831.2); c.726G>A, p.Leu242= (NM_001318832.2).
Identifiers: ClinVar variation 826716 (VCV000826716.12), dbSNP rs764417359, ClinGen allele CA056150.